The following is an entry in ClinVar:

NM_002161.6(IARS1):c.3544A>G (p.Lys1182Glu)

Gene: IARS1 (isoleucyl-tRNA synthetase 1; minus strand). Cytogenetic location: 9q22.31.
Variant type: single nucleotide variant.
Coding change: c.3544A>G on transcript NM_002161.6 (MANE Select); coding-DNA position 3544, A replaced by G.
Protein change: p.Lys1182Glu; replaces lysine 1182 with glutamic acid.
Molecular consequence: missense variant. On other transcripts: non-coding transcript variant (1), intron variant (1).
Genome position (GRCh38, 1-based): chr9:92,223,355, T>C on the plus strand (A>G on the coding strand, the complement: IARS1 is on the minus strand). VCF-style: chr9-92223355-T-C. GRCh37 (hg19) VCF-style: chr9-94985637-T-C.
Other names: c.3469A>G, p.Lys1157Glu (NM_001374299.1, NM_001374300.1); c.3460A>G, p.Lys1154Glu (NM_001374301.1); c.3607A>G, p.Lys1203Glu (NM_001378569.1); c.3565A>G, p.Lys1189Glu (NM_001378571.1, NM_001378572.1); c.3544A>G, p.Lys1182Glu (NM_001378573.1, NM_001378574.1, NM_001378575.1 and 3 more transcripts); c.3502A>G, p.Lys1168Glu (NM_001378577.1); c.3484A>G, p.Lys1162Glu (NM_001378578.1, NM_001378579.1, NM_001378580.1); c.3448A>G, p.Lys1150Glu (NM_001378582.1); and 3 more; short protein forms K1137E, K1141E, K1150E, K1154E, K1157E, K1162E, K1168E, K1182E.
Identifiers: ClinVar variation 1285248 (VCV001285248.10), dbSNP rs556155, ClinGen allele CA5121838.

ClinVar aggregate classification (germline): Benign. Review status: criteria provided, multiple submitters, no conflicts (2 of 4 stars). 4 submissions from 4 submitters: Benign (3). 1 of the submissions does not count toward it. Last evaluated 2026-02-02.

Conditions:
IARS1-related disorder. Also called: IARS1-related condition.
Growth retardation, intellectual developmental disorder, hypotonia, and hepatopathy (GRIDHH). Also called: GROWTH RETARDATION, IMPAIRED INTELLECTUAL DEVELOPMENT, HYPOTONIA, AND HEPATOPATHY. Identifiers: Orphanet 541423, MedGen C4310720, MONDO:0014911, OMIM 617093.

Allele frequency attached by ClinVar (database versions not stated): gnomAD 0.14294 and 0.13769; ESP Exome Variant Server 0.13163; TOPMed 0.13717; 1000 Genomes Project 30x 0.15928; ExAC 0.17274; 1000 Genomes Project 0.16054; gnomAD exomes 0.16443 and 0.17204.
gnomAD v4.1: 260,823 of 1,609,906 alleles (16%); highest among the groups gnomAD compares: South Asian, 28%; 22,850 homozygotes.

Submissions (4):

Labcorp Genetics (formerly Invitae), Labcorp
Classification: Benign. Last evaluated: 2026-02-02. Review status: criteria provided, single submitter. Criteria: Invitae Variant Classification Sherloc (09022015). Collection method: clinical testing. Allele origin: germline.

Genome-Nilou Lab
Classification: Benign for Growth retardation, intellectual developmental disorder, hypotonia, and hepatopathy. Last evaluated: 2021-08-10. Review status: criteria provided, single submitter. Criteria: ACMG Guidelines, 2015. Collection method: clinical testing. Allele origin: germline. Affected: no.

Breakthrough Genomics
Classification: Benign. Review status: criteria provided, single submitter. Criteria: ACMG Guidelines, 2015. Collection method: not provided. Allele origin: germline. Inheritance: Autosomal recessive inheritance. Affected: yes.

PreventionGenetics, part of Exact Sciences
Classification: Benign for IARS1-related condition. Last evaluated: 2019-05-08. Review status: no assertion criteria provided. Collection method: clinical testing. Allele origin: germline. Not counted in ClinVar's aggregate classification.
Comment: This variant is classified as benign based on ACMG/AMP sequence variant interpretation guidelines (Richards et al. 2015 PMID: 25741868, with internal and published modifications).